The following is an entry in ClinVar:

ClinVar aggregate classification (germline): Uncertain significance (1 of 4 stars; one submission).

Conditions:
Nephronophthisis 14 (NPHP14). Identifiers: Orphanet 2318, MedGen C3539071, MONDO:0013916, OMIM 614844.

gnomAD v4.1: 2 of 1,614,034 alleles (0.00012%); highest among the groups gnomAD compares: Non-Finnish European, 0.00017%; no homozygotes.

Submission:

Labcorp Genetics (formerly Invitae), Labcorp
Classification: Uncertain significance for Nephronophthisis 14. Last evaluated: 2025-12-15. Review status: criteria provided, single submitter. Criteria: Invitae Variant Classification Sherloc (09022015). Collection method: clinical testing. Allele origin: germline.
Comment: This sequence change replaces glutamine, which is neutral and polar, with histidine, which is basic and polar, at codon 1246 of the ZNF423 protein (p.Gln1246His). This variant is not present in population databases (gnomAD no frequency). This variant has not been reported in the literature in individuals affected with ZNF423-related conditions. Invitae Evidence Modeling of protein sequence and biophysical properties (such as structural, functional, and spatial information, amino acid conservation, physicochemical variation, residue mobility, and thermodynamic stability) indicates that this missense variant is not expected to disrupt ZNF423 protein function with a negative predictive value of 80%. In summary, the available evidence is currently insufficient to determine the role of this variant in disease. Therefore, it has been classified as a Variant of Uncertain Significance.

NM_001379286.1(ZNF423):c.3762G>C (p.Gln1254His)

Gene: ZNF423 (zinc finger protein 423; minus strand). Cytogenetic location: 16q12.1.
Variant type: single nucleotide variant.
Coding change: c.3762G>C on transcript NM_001379286.1 (MANE Select); coding-DNA position 3762, G replaced by C.
Protein change: p.Gln1254His; replaces glutamine 1254 with histidine.
Molecular consequence: missense variant.
Genome position (GRCh38, 1-based): chr16:49,523,711, C>G on the plus strand (G>C on the coding strand, the complement: ZNF423 is on the minus strand). VCF-style: chr16-49523711-C-G. GRCh37 (hg19) VCF-style: chr16-49557622-C-G.
Other names: c.3558G>C, p.Gln1186His (NM_001271620.2); c.3387G>C, p.Gln1129His (NM_001330533.2); c.3738G>C, p.Gln1246His (NM_015069.5); short protein forms Q1129H, Q1186H, Q1246H, Q1254H.
Identifiers: ClinVar variation 4812176 (VCV004812176.1).